The following is an entry in ClinVar:

ClinVar aggregate classification (germline): Uncertain significance (1 of 4 stars; one submission).

Conditions:
Tuberous sclerosis 2 (TSC2). Identifiers: Orphanet 805, MedGen C1860707, MONDO:0013199, OMIM 613254.

gnomAD v4.1: 1 of 1,612,844 alleles (0.000062%); highest among the groups gnomAD compares: South Asian, 0.0011%; no homozygotes.

Submission:

Labcorp Genetics (formerly Invitae), Labcorp
Classification: Uncertain significance for Tuberous sclerosis 2. Last evaluated: 2022-09-19. Review status: criteria provided, single submitter. Criteria: Invitae Variant Classification Sherloc (09022015). Collection method: clinical testing. Allele origin: germline.
Comment: This sequence change falls in intron 27 of the TSC2 gene. It does not directly change the encoded amino acid sequence of the TSC2 protein. It affects a nucleotide within the consensus splice site. In summary, the available evidence is currently insufficient to determine the role of this variant in disease. Therefore, it has been classified as a Variant of Uncertain Significance. Variants that disrupt the consensus splice site are a relatively common cause of aberrant splicing (PMID: 17576681, 9536098). Algorithms developed to predict the effect of sequence changes on RNA splicing suggest that this variant is not likely to affect RNA splicing. This variant has not been reported in the literature in individuals affected with TSC2-related conditions. This variant is not present in population databases (gnomAD no frequency).

Literature cited by the submitters: PubMed 17576681; PubMed 9536098.

NM_000548.5(TSC2):c.3131+3C>G

Gene: TSC2 (TSC complex subunit 2; plus strand). Cytogenetic location: 16p13.3.
Variant type: single nucleotide variant.
Coding change: c.3131+3C>G on transcript NM_000548.5 (MANE Select); 3 bases into the intron after coding-DNA position 3131, C replaced by G.
Molecular consequence: intron variant.
Genome position (GRCh38, 1-based): chr16:2,079,199, C>G. VCF-style: chr16-2079199-C-G. GRCh37 (hg19) VCF-style: chr16-2129200-C-G.
Other names: c.3131+3C>G (NM_001114382.3); c.3002+3C>G (NM_021055.3, NM_001370405.1, NM_001363528.2); c.2999+3C>G (NM_001370404.1, NM_001077183.3); c.2891+3C>G (NM_001318827.2); c.2399+3C>G (NM_001318831.2); c.2855+3C>G (NM_001318829.2); c.3032+3C>G (NM_001318832.2).
Identifiers: ClinVar variation 2021717 (VCV002021717.4), dbSNP rs1420280878, ClinGen allele CA2580090916.
Genomic context (GRCh38, chr16:2,079,199, plus strand): 5'-CCTGTCTGGACATGATGGCTCGATACGTCTTCTCCAACTTCACGGCTGTCCCGAAGAGGT[C>G]CAGGCGGCACTACAGGGCTGGGCGGGCCTGCGGGAGCTCCACGGGCAAGCTGGGTTTCAC-3'